The following is an entry in ClinVar:

NM_152594.3(SPRED1):c.480G>C (p.Glu160Asp)

Gene: SPRED1 (sprouty related EVH1 domain containing 1; plus strand). Cytogenetic location: 15q14.
Variant type: single nucleotide variant.
Coding change: c.480G>C on transcript NM_152594.3 (MANE Select); coding-DNA position 480, G replaced by C.
Protein change: p.Glu160Asp; replaces glutamic acid 160 with aspartic acid.
Molecular consequence: missense variant.
Genome position (GRCh38, 1-based): chr15:38,339,793, G>C. VCF-style: chr15-38339793-G-C. GRCh37 (hg19) VCF-style: chr15-38631994-G-C.
Other names: short protein forms E160D.
Identifiers: ClinVar variation 3014772 (VCV003014772.3), dbSNP rs2542723705, ClinGen allele CA391932527.

ClinVar aggregate classification (germline): Uncertain significance (1 of 4 stars; one submission).

Conditions:
Legius syndrome. Identifiers: Orphanet 137605, MedGen C1969623, MONDO:0012669, OMIM 611431. Disease mechanism: loss of function.

Submission:

Labcorp Genetics (formerly Invitae), Labcorp
Classification: Uncertain significance for Legius syndrome. Last evaluated: 2023-12-12. Review status: criteria provided, single submitter. Criteria: Invitae Variant Classification Sherloc (09022015). Collection method: clinical testing. Allele origin: germline.
Comment: This sequence change replaces glutamic acid, which is acidic and polar, with aspartic acid, which is acidic and polar, at codon 160 of the SPRED1 protein (p.Glu160Asp). This variant is not present in population databases (gnomAD no frequency). This variant has not been reported in the literature in individuals affected with SPRED1-related conditions. Advanced modeling of protein sequence and biophysical properties (such as structural, functional, and spatial information, amino acid conservation, physicochemical variation, residue mobility, and thermodynamic stability) performed at Invitae indicates that this missense variant is not expected to disrupt SPRED1 protein function with a negative predictive value of 80%. In summary, the available evidence is currently insufficient to determine the role of this variant in disease. Therefore, it has been classified as a Variant of Uncertain Significance.